The following is an entry in ClinVar:

NM_001134232.2(TMEM106B):c.94A>G (p.Asn32Asp)

Gene: TMEM106B (transmembrane protein 106B; plus strand). Cytogenetic location: 7p21.3.
Variant type: single nucleotide variant.
Coding change: c.94A>G on transcript NM_001134232.2 (MANE Select); coding-DNA position 94, A replaced by G.
Protein change: p.Asn32Asp; replaces asparagine 32 with aspartic acid.
Molecular consequence: missense variant.
Genome position (GRCh38, 1-based): chr7:12,214,904, A>G. VCF-style: chr7-12214904-A-G. GRCh37 (hg19) VCF-style: chr7-12254530-A-G.
Other names: c.94A>G, p.Asn32Asp (NM_018374.4); short protein forms N32D.
Identifiers: ClinVar variation 3358225 (VCV003358225.2).

ClinVar aggregate classification (germline): Uncertain significance. Review status: criteria provided, single submitter (1 of 4 stars). 2 submissions from 2 submitters: Uncertain significance (1). 1 of the submissions does not count toward it. Last evaluated 2025-12-16.

Conditions:
TMEM106B-related disorder. Also called: TMEM106B-related condition.
Inborn genetic diseases. Identifiers: MedGen C0950123, MeSH D030342.

gnomAD v4.1: 5 of 1,613,982 alleles (0.00031%); highest among the groups gnomAD compares: East Asian, 0.011%; no homozygotes.

Submissions (2):

Ambry Genetics
Classification: Uncertain significance for Inborn genetic diseases. Last evaluated: 2025-12-16. Review status: criteria provided, single submitter. Criteria: Ambry Variant Classification Scheme 2023. Collection method: clinical testing. Allele origin: germline.

PreventionGenetics, part of Exact Sciences
Classification: Uncertain significance for TMEM106B-related condition. Last evaluated: 2024-07-30. Review status: no assertion criteria provided. Collection method: clinical testing. Allele origin: germline. Not counted in ClinVar's aggregate classification.
Comment: The TMEM106B c.94A>G variant is predicted to result in the amino acid substitution p.Asn32Asp. To our knowledge, this variant has not been reported in the literature. This variant is reported in 0.0054% of alleles in individuals of East Asian descent in gnomAD. At this time, the clinical significance of this variant is uncertain due to the absence of conclusive functional and genetic evidence.